The following is an entry in ClinVar:

NM_004631.5(LRP8):c.1113G>C (p.Gln371His)

Gene: LRP8 (LDL receptor related protein 8; minus strand). Cytogenetic location: 1p32.3.
Variant type: single nucleotide variant.
Coding change: c.1113G>C on transcript NM_004631.5 (MANE Select); coding-DNA position 1113, G replaced by C.
Protein change: p.Gln371His; replaces glutamine 371 with histidine.
Molecular consequence: missense variant.
Genome position (GRCh38, 1-based): chr1:53,271,240, C>G on the plus strand (G>C on the coding strand, the complement: LRP8 is on the minus strand). VCF-style: chr1-53271240-C-G. GRCh37 (hg19) VCF-style: chr1-53736912-C-G.
Other names: c.1113G>C, p.Gln371His (NM_001018054.3); c.726G>C, p.Gln242His (NM_017522.5); c.603G>C, p.Gln201His (NM_033300.4); short protein forms Q371H, Q201H, Q242H.
Identifiers: ClinVar variation 2355855 (VCV002355855.26), dbSNP rs757087137, ClinGen allele CA860292.
Genomic context (GRCh38, chr1:53,271,240, plus strand): 5'-CAGCAGGAGGATCTGCTTCTGCTTGGGGGTGTGGGAGAAGGTCTCACCGCCACAGGTCTT[C>G]TGGTCCAGGAGCTGGAAGCCTGCTGGGCACGTGCATTCAAAGCCAATCTTGAGGTCAGTG-3'
Protein context (NP_004622.2, residues 361-381): TCPAGFQLLD[Gln371His]KTCGDIDECK

ClinVar aggregate classification (germline): Conflicting classifications of pathogenicity. Review status: criteria provided, conflicting classifications (1 of 4 stars). 2 submissions from 2 submitters: Uncertain significance (1); Likely benign (1). Last evaluated 2025-04-24.

Allele frequency attached by ClinVar (database versions not stated): gnomAD exomes 0.00002; gnomAD 0.00003; TOPMed 0.00003; ExAC 0.00008.
gnomAD v4.1: 34 of 1,613,856 alleles (0.0021%); highest among the groups gnomAD compares: Admixed American, 0.02%; no homozygotes.

Submissions (2):

Ambry Genetics
Classification: Uncertain significance. Last evaluated: 2025-04-24. Review status: criteria provided, single submitter. Criteria: Ambry Variant Classification Scheme 2023. Collection method: clinical testing. Allele origin: germline.

CeGaT Center for Human Genetics Tuebingen
Classification: Likely benign. Last evaluated: 2023-02-01. Review status: criteria provided, single submitter. Criteria: CeGaT Center For Human Genetics Tuebingen Variant Classification Criteria Version 2. Collection method: clinical testing. Allele origin: germline. Affected: yes. Observed: 1 variant allele.
Comment: LRP8: BP4